The following is an entry in ClinVar:

ClinVar aggregate classification (germline): Likely pathogenic (1 of 4 stars; one submission).

Allele frequency attached by ClinVar (database versions not stated): gnomAD exomes below 0.00001.
gnomAD v4.1: 1 of 1,607,422 alleles (0.000062%); highest among the groups gnomAD compares: Non-Finnish European, 0.000085%; no homozygotes.

Submission:

Labcorp Genetics (formerly Invitae), Labcorp
Classification: Likely pathogenic. Last evaluated: 2023-08-29. Review status: criteria provided, single submitter. Criteria: Invitae Variant Classification Sherloc (09022015). Collection method: clinical testing. Allele origin: germline.
Comment: This variant is not present in population databases (gnomAD no frequency). In summary, the currently available evidence indicates that the variant is pathogenic, but additional data are needed to prove that conclusively. Therefore, this variant has been classified as Likely Pathogenic. Algorithms developed to predict the effect of sequence changes on RNA splicing suggest that this variant may disrupt the consensus splice site. This variant has not been reported in the literature in individuals affected with BMP1-related conditions. This sequence change affects a donor splice site in intron 2 of the BMP1 gene. It is expected to disrupt RNA splicing. Variants that disrupt the donor or acceptor splice site typically lead to a loss of protein function (PMID: 16199547), and loss-of-function variants in BMP1 are known to be pathogenic (PMID: 25656619, 27576954, 28257626).

Literature cited by the submitters: PubMed 16199547; PubMed 25656619; PubMed 27576954; PubMed 28257626.

NM_006129.5(BMP1):c.262+1G>T

Gene: BMP1 (bone morphogenetic protein 1; plus strand). Cytogenetic location: 8p21.3.
Variant type: single nucleotide variant.
Coding change: c.262+1G>T on transcript NM_006129.5 (MANE Select); the canonical splice donor site of the intron after coding-DNA position 262, G replaced by T.
Molecular consequence: splice donor variant.
Genome position (GRCh38, 1-based): chr8:22,173,716, G>T. VCF-style: chr8-22173716-G-T. GRCh37 (hg19) VCF-style: chr8-22031229-G-T.
Other names: c.262+1G>T (NM_001199.4).
Identifiers: ClinVar variation 2755748 (VCV002755748.3), dbSNP rs2538972305, ClinGen allele CA370540929.